The following is an entry in ClinVar:

ClinVar aggregate classification (germline): Uncertain significance. Review status: criteria provided, multiple submitters, no conflicts (2 of 4 stars). 2 submissions from 2 submitters: Uncertain significance (2). Last evaluated 2025-04-23.

Conditions:
Long QT syndrome (LQTS). Identifiers: MedGen C0023976, MeSH D008133, MONDO:0002442. Disease mechanism: loss of function. Inheritance: Various modes of inheritance.

Allele frequency attached by ClinVar (database versions not stated): gnomAD exomes below 0.00001; gnomAD 0.00001.
gnomAD v4.1: 3 of 1,603,324 alleles (0.00019%); highest among the groups gnomAD compares: African/African-American, 0.0013%; no homozygotes.

Submissions (2):

Labcorp Genetics (formerly Invitae), Labcorp
Classification: Uncertain significance for Long QT syndrome. Last evaluated: 2025-04-23. Review status: criteria provided, single submitter. Criteria: Invitae Variant Classification Sherloc (09022015). Collection method: clinical testing. Allele origin: germline.
Comment: This sequence change replaces glycine, which is neutral and non-polar, with serine, which is neutral and polar, at codon 2085 of the CACNA1C protein (p.Gly2085Ser). This variant is not present in population databases (gnomAD no frequency). This variant has not been reported in the literature in individuals affected with CACNA1C-related conditions. ClinVar contains an entry for this variant (Variation ID: 1382393). Invitae Evidence Modeling of protein sequence and biophysical properties (such as structural, functional, and spatial information, amino acid conservation, physicochemical variation, residue mobility, and thermodynamic stability) indicates that this missense variant is not expected to disrupt CACNA1C protein function with a negative predictive value of 95%. In summary, the available evidence is currently insufficient to determine the role of this variant in disease. Therefore, it has been classified as a Variant of Uncertain Significance.

Greenwood Genetic Center Diagnostic Laboratories, Greenwood Genetic Center
Classification: Uncertain significance. Last evaluated: 2024-05-20. Review status: criteria provided, single submitter. Criteria: ACMG Guidelines, 2015. Collection method: clinical testing. Allele origin: germline. Affected: yes.
Comment: BP4, PP2

NM_000719.7(CACNA1C):c.6253G>A (p.Gly2085Ser)

Genes: CACNA1C (calcium voltage-gated channel subunit alpha1 C; plus strand), CACNA1C-AS1 (CACNA1C antisense RNA 1; minus strand). Cytogenetic location: 12p13.33.
Variant type: single nucleotide variant.
Coding change: c.6253G>A on transcript NM_000719.7 (MANE Select); coding-DNA position 6253, G replaced by A.
Protein change: p.Gly2085Ser; replaces glycine 2085 with serine.
Molecular consequence: missense variant.
Genome position (GRCh38, 1-based): chr12:2,691,035, G>A. VCF-style: chr12-2691035-G-A. GRCh37 (hg19) VCF-style: chr12-2800201-G-A.
Other names: c.6397G>A, p.Gly2133Ser (NM_001129827.2); c.6376G>A, p.Gly2126Ser (NM_001129829.2); c.6358G>A, p.Gly2120Ser (NM_001129830.3, NM_001167624.3); c.6337G>A, p.Gly2113Ser (NM_001129831.2); c.6313G>A, p.Gly2105Ser (NM_001129832.2); c.6310G>A, p.Gly2104Ser (NM_001129833.2, NM_001129834.2, NM_001129835.2); c.6304G>A, p.Gly2102Ser (NM_001129836.2); c.6277G>A, p.Gly2093Ser (NM_001129837.2, NM_001129838.2); and 6 more; short protein forms G2102S, G2120S, G2085S, G2105S, G2074S, G2082S, G2093S, G2104S.
Identifiers: ClinVar variation 1382393 (VCV001382393.7), dbSNP rs2097780609, ClinGen allele CA383386664.